The following is an entry in ClinVar:

NM_138691.3(TMC1):c.16+94T>G

Gene: TMC1 (transmembrane channel like 1; plus strand). Cytogenetic location: 9q21.13.
Variant type: single nucleotide variant.
Coding change: c.16+94T>G on transcript NM_138691.3 (MANE Select); 94 bases into the intron after coding-DNA position 16, T replaced by G.
Molecular consequence: intron variant.
Genome position (GRCh38, 1-based): chr9:72,648,758, T>G. VCF-style: chr9-72648758-T-G. GRCh37 (hg19) VCF-style: chr9-75263674-T-G.
Identifiers: ClinVar variation 683064 (VCV000683064.2), dbSNP rs1444842, ClinGen allele CA193327035.

ClinVar aggregate classification (germline): Benign. Review status: criteria provided, multiple submitters, no conflicts (2 of 4 stars). 2 submissions from 2 submitters: Benign (2). Last evaluated 2018-06-16.

Allele frequency attached by ClinVar (database versions not stated): gnomAD exomes 0.08093; 1000 Genomes Project 0.08546; 1000 Genomes Project 30x 0.08979; gnomAD 0.10216 and 0.10653; TOPMed 0.10519; ESP Exome Variant Server 0.10688.
gnomAD v4.1: 96,736 of 1,155,256 alleles (8.4%); highest among the groups gnomAD compares: African/African-American, 16%; 4,728 homozygotes.

Submissions (2):

GeneDx
Classification: Benign. Last evaluated: 2018-06-16. Review status: criteria provided, single submitter. Criteria: GeneDx Variant Classification (06012015). Collection method: clinical testing. Allele origin: germline. Affected: yes.
Comment: This variant is considered likely benign or benign based on one or more of the following criteria: it is a conservative change, it occurs at a poorly conserved position in the protein, it is predicted to be benign by multiple in silico algorithms, and/or has population frequency not consistent with disease.

Breakthrough Genomics
Classification: Benign. Review status: criteria provided, single submitter. Criteria: ACMG Guidelines, 2015. Collection method: not provided. Allele origin: germline. Inheritance: Autosomal recessive inheritance. Affected: yes.